The following is an entry in ClinVar:

NM_032638.5(GATA2):c.713C>T (p.Thr238Ile)

Gene: GATA2 (GATA binding protein 2; minus strand). Cytogenetic location: 3q21.3.
Variant type: single nucleotide variant.
Coding change: c.713C>T on transcript NM_032638.5 (MANE Select); coding-DNA position 713, C replaced by T.
Protein change: p.Thr238Ile; replaces threonine 238 with isoleucine.
Molecular consequence: missense variant.
Genome position (GRCh38, 1-based): chr3:128,485,885, G>A on the plus strand (C>T on the coding strand, the complement: GATA2 is on the minus strand). VCF-style: chr3-128485885-G-A. GRCh37 (hg19) VCF-style: chr3-128204728-G-A.
Other names: c.713C>T, p.Thr238Ile (NM_001145661.2, NM_001145662.1); short protein forms T238I.
Identifiers: ClinVar variation 4262146 (VCV004262146.1).

ClinVar aggregate classification (germline): Uncertain significance (1 of 4 stars; one submission).

Conditions:
Inborn genetic diseases. Identifiers: MedGen C0950123, MeSH D030342.

Submission:

Ambry Genetics
Classification: Uncertain significance for Inborn genetic diseases. Last evaluated: 2025-08-30. Review status: criteria provided, single submitter. Criteria: Ambry Variant Classification Scheme 2023. Collection method: clinical testing. Allele origin: germline.
Comment: The p.T238I variant (also known as c.713C>T), located in coding exon 2 of the GATA2 gene, results from a C to T substitution at nucleotide position 713. The threonine at codon 238 is replaced by isoleucine, an amino acid with similar properties. This amino acid position is conserved. In addition, the in silico prediction for this alteration is inconclusive. Based on the available evidence, the clinical significance of this variant remains unclear.